The following is an entry in ClinVar:

ClinVar aggregate classification (germline): Likely benign. Review status: criteria provided, single submitter (1 of 4 stars). 2 submissions from 2 submitters: Likely benign (1). 1 of the submissions does not count toward it. Last evaluated 2019-12-31.

Conditions:
PRKD1-related disorder. Also called: PRKD1-related condition.

Allele frequency attached by ClinVar (database versions not stated): TOPMed 0.00002.
gnomAD v4.1: 78 of 1,612,458 alleles (0.0048%); highest among the groups gnomAD compares: Admixed American, 0.13%; no homozygotes.

Submissions (2):

Labcorp Genetics (formerly Invitae), Labcorp
Classification: Likely benign. Last evaluated: 2019-12-31. Review status: criteria provided, single submitter. Criteria: Invitae Variant Classification Sherloc (09022015). Collection method: clinical testing. Allele origin: germline.

PreventionGenetics, part of Exact Sciences
Classification: Likely benign for PRKD1-related condition. Last evaluated: 2023-05-22. Review status: no assertion criteria provided. Collection method: clinical testing. Allele origin: germline. Not counted in ClinVar's aggregate classification.
Comment: This variant is classified as likely benign based on ACMG/AMP sequence variant interpretation guidelines (Richards et al. 2015 PMID: 25741868, with internal and published modifications).

NM_002742.3(PRKD1):c.268C>T (p.Pro90Ser)

Gene: PRKD1 (protein kinase D1; minus strand). Cytogenetic location: 14q12.
Variant type: single nucleotide variant.
Coding change: c.268C>T on transcript NM_002742.3 (MANE Select); coding-DNA position 268, C replaced by T.
Protein change: p.Pro90Ser; replaces proline 90 with serine.
Molecular consequence: missense variant. On other transcripts: 5 prime UTR variant (1).
Genome position (GRCh38, 1-based): chr14:29,725,671, G>A on the plus strand (C>T on the coding strand, the complement: PRKD1 is on the minus strand). VCF-style: chr14-29725671-G-A. GRCh37 (hg19) VCF-style: chr14-30194877-G-A.
Other names: c.268C>T, p.Pro90Ser (NM_001330069.2); c.-21C>T (NM_001348390.1); c.268C>T (NM_001330069.1); short protein forms P90S.
Identifiers: ClinVar variation 734679 (VCV000734679.6), dbSNP rs45458201, ClinGen allele CA7141524.